The following is an entry in ClinVar:

NM_025136.4(OPA3):c.206_258del (p.Lys69fs)

Genes: OPA3 (outer mitochondrial membrane lipid metabolism regulator OPA3; minus strand), OPA3-RTN2 (OPA3-RTN2 readthrough; minus strand). Cytogenetic location: 19q13.32.
Variant type: Deletion.
Coding change: c.206_258del on transcript NM_025136.4 (MANE Select); coding-DNA positions 206 to 258, 53 bases deleted.
Protein change: p.Lys69fs; shifts the reading frame from lysine 69.
Molecular consequence: frameshift variant. On other transcripts: intron variant (1).
Genome position (GRCh38, 1-based): chr19:45,553,796-45,553,848, 53 bases deleted. GRCh37 (hg19): chr19:46,057,055-46,057,107.
Other names: c.143-24392_143-24340del (NM_001017989.3); short protein forms K69fs.
Identifiers: ClinVar variation 1066277 (VCV001066277.6), dbSNP rs2122440115, ClinGen allele CA2499225518.

ClinVar aggregate classification (germline): Uncertain significance (1 of 4 stars; one submission).

Conditions:
3-Methylglutaconic aciduria type 3 (MGCA3). Also called: Costeff Syndrome; OPA3, AUTOSOMAL RECESSIVE; OPTIC ATROPHY 3, AUTOSOMAL RECESSIVE; OPA3-Related 3-Methylglutaconic Aciduria. Identifiers: Orphanet 67047, MedGen C0574084, MONDO:0009787, OMIM 258501.
Optic atrophy 3 (OPA3). Also called: OPTIC ATROPHY 3, AUTOSOMAL DOMINANT; Optic atrophy, cataract, and neurologic disorder; Optic atrophy 3 with cataract. Identifiers: Orphanet 67036, MedGen C1833809, MONDO:0008133, OMIM 165300.

Submission:

Labcorp Genetics (formerly Invitae), Labcorp
Classification: Uncertain significance for 3-Methylglutaconic aciduria type 3; Optic atrophy 3. Last evaluated: 2022-09-13. Review status: criteria provided, single submitter. Criteria: Invitae Variant Classification Sherloc (09022015). Collection method: clinical testing. Allele origin: germline.
Comment: This sequence change creates a premature translational stop signal (p.Lys69Serfs*110) in the OPA3 gene. While this is not anticipated to result in nonsense mediated decay, it is expected to disrupt the last 111 amino acid(s) of the OPA3 protein. This variant is not present in population databases (gnomAD no frequency). This variant has not been reported in the literature in individuals affected with OPA3-related conditions. ClinVar contains an entry for this variant (Variation ID: 1066277). This variant disrupts the C-terminus of the OPA3 protein. Other variant(s) that disrupt this region (p.Q139*) have been observed in individuals with OPA3-related conditions (PMID: 18985435). This suggests that this may be a clinically significant region of the protein. In summary, the available evidence is currently insufficient to determine the role of this variant in disease. Therefore, it has been classified as a Variant of Uncertain Significance.

Literature cited by the submitters: PubMed 18985435.